The following is an entry in ClinVar:

ClinVar aggregate classification (germline): Uncertain significance (1 of 4 stars; one submission).

Conditions:
Hereditary cancer-predisposing syndrome. Also called: Hereditary neoplastic syndrome; Neoplastic Syndromes, Hereditary; Tumor predisposition; Hereditary Cancer Syndrome. Identifiers: Orphanet 140162, MedGen C0027672, MeSH D009386, MONDO:0015356.

Submission:

Ambry Genetics
Classification: Uncertain significance for Hereditary cancer-predisposing syndrome. Last evaluated: 2014-06-18. Review status: criteria provided, single submitter. Criteria: Ambry Variant Classification Scheme 2023. Collection method: clinical testing. Allele origin: germline.
Comment: The p.C57S variant (also known as c.169T>A), located in coding exon 3 of the PALB2 gene, results from a T to A substitution at nucleotide position 169. The cysteine at codon 57 is replaced by serine, an amino acid with dissimilar properties. This variant was not reported in population based cohorts in the following databases: Database of Single Nucleotide Polymorphisms (dbSNP), NHLBI Exome Sequencing Project (ESP), and 1000 Genomes Project. In the ESP, this variant was not observed in 6497 samples (12994 alleles) with coverage at this position. To date, this alteration has been detected with an allele frequency of approximately 0.006% (greater than 16000 alleles tested) in our clinical cohort (includes this individual). This amino acid position is not well conserved in available vertebrate species. In addition, this alteration is predicted to be benign and tolerated by PolyPhen and SIFT in silico analyses, respectively. Since supporting evidence is limited at this time, the clinical significance of p.C57S remains unclear.

NM_024675.4(PALB2):c.169T>A (p.Cys57Ser)

Gene: PALB2 (partner and localizer of BRCA2; minus strand). Cytogenetic location: 16p12.2.
Variant type: single nucleotide variant.
Coding change: c.169T>A on transcript NM_024675.4 (MANE Select); coding-DNA position 169, T replaced by A.
Protein change: p.Cys57Ser; replaces cysteine 57 with serine.
Molecular consequence: missense variant.
Genome position (GRCh38, 1-based): chr16:23,637,892, A>T on the plus strand (T>A on the coding strand, the complement: PALB2 is on the minus strand). VCF-style: chr16-23637892-A-T. GRCh37 (hg19) VCF-style: chr16-23649213-A-T.
Other names: short protein forms C57S.
Identifiers: ClinVar variation 185393 (VCV000185393.5), dbSNP rs786202140, ClinGen allele CA191804.